The following is an entry in ClinVar:

NM_002156.5(HSPD1):c.1607C>T (p.Ala536Val)

Gene: HSPD1 (heat shock protein family D (Hsp60) member 1; minus strand). Cytogenetic location: 2q33.1.
Variant type: single nucleotide variant.
Coding change: c.1607C>T on transcript NM_002156.5 (MANE Select); coding-DNA position 1607, C replaced by T.
Protein change: p.Ala536Val; replaces alanine 536 with valine.
Molecular consequence: missense variant.
Genome position (GRCh38, 1-based): chr2:197,487,161, G>A on the plus strand (C>T on the coding strand, the complement: HSPD1 is on the minus strand). VCF-style: chr2-197487161-G-A. GRCh37 (hg19) VCF-style: chr2-198351885-G-A.
Other names: c.1607C>T, p.Ala536Val (NM_199440.2); short protein forms A536V.
Identifiers: ClinVar variation 216941 (VCV000216941.8), dbSNP rs863224878, ClinGen allele CA279046.
Genomic context (GRCh38, chr2:197,487,161, plus strand): 5'-GGGTCCTTCTCTTCTTTAGGAATTTCTGTGACTACAACTTCTGCTGTAGTTAACAGAGAG[G>A]CCACACCAGCAGCATCCAATAAAGCAGTTCTCACAACCTAGAAAAAAATTTAATTAATTA-3'
Protein context (NP_002147.2, residues 526-546): RTALLDAAGV[Ala536Val]SLLTTAEVVV

ClinVar aggregate classification (germline): Conflicting classifications of pathogenicity. Review status: criteria provided, conflicting classifications (1 of 4 stars). 3 submissions from 3 submitters: Pathogenic (1); Likely pathogenic (1); Uncertain significance (1). Last evaluated 2024-04-17.

Conditions:
Spastic paraplegia. Identifiers: MedGen C0037772, HP:0001258.
Hereditary spastic paraplegia 13 (SPG13). Also called: SPASTIC PARAPLEGIA 13, AUTOSOMAL DOMINANT; Spastic paraplegia 13. Identifiers: Orphanet 100994, MedGen C1854467, MONDO:0011532, OMIM 605280.

Submissions (3):

Labcorp Genetics (formerly Invitae), Labcorp
Classification: Uncertain significance for Spastic paraplegia. Last evaluated: 2024-04-17. Review status: criteria provided, single submitter. Criteria: Invitae Variant Classification Sherloc (09022015). Collection method: clinical testing. Allele origin: germline.
Comment: This sequence change replaces alanine, which is neutral and non-polar, with valine, which is neutral and non-polar, at codon 536 of the HSPD1 protein (p.Ala536Val). This variant is not present in population databases (gnomAD no frequency). This missense change has been observed in individual(s) with clinical features of HSPD1-related disorders (PMID: 25326637). ClinVar contains an entry for this variant (Variation ID: 216941). Advanced modeling of protein sequence and biophysical properties (such as structural, functional, and spatial information, amino acid conservation, physicochemical variation, residue mobility, and thermodynamic stability) performed at Invitae indicates that this missense variant is expected to disrupt HSPD1 protein function with a positive predictive value of 80%. In summary, the available evidence is currently insufficient to determine the role of this variant in disease. Therefore, it has been classified as a Variant of Uncertain Significance.

GeneDx
Classification: Pathogenic. Last evaluated: 2022-04-12. Review status: criteria provided, single submitter. Criteria: GeneDx Variant Classification Process June 2021. Collection method: clinical testing. Allele origin: germline. Affected: yes.
Comment: Not observed at significant frequency in large population cohorts (gnomAD); In silico analysis supports that this missense variant has a deleterious effect on protein structure/function; This variant is associated with the following publications: (PMID: 25326637)

UCLA Clinical Genomics Center, UCLA
Classification: Likely pathogenic for Spastic paraplegia 13. Last evaluated: 2014-04-15. Review status: criteria provided, single submitter. Criteria: Lee et al. (JAMA. 2014). Collection method: clinical testing. Allele origin: de novo. Inheritance: Autosomal dominant inheritance. Affected: yes. Study: CES.

Literature cited by the submitters: PubMed 25326637 (cited by Labcorp Genetics (formerly Invitae), Labcorp).